The following is an entry in ClinVar:

ClinVar aggregate classification (germline): Uncertain significance (1 of 4 stars; one submission).

Conditions:
OTOA-related disorder. Also called: OTOA-related condition.

gnomAD v4.1: 5 of 1,613,778 alleles (0.00031%); highest among the groups gnomAD compares: East Asian, 0.0067%; no homozygotes.

Submission:

PreventionGenetics, part of Exact Sciences
Classification: Uncertain significance for OTOA-related condition. Last evaluated: 2025-04-05. Review status: criteria provided, single submitter. Criteria: ACMG Guidelines, 2015. Collection method: clinical testing. Allele origin: germline.
Comment: The OTOA c.151+4A>G variant is predicted to interfere with splicing. This variant is predicted to alter splicing based on available splicing prediction software (SpliceAI, Jaganathan et al. 2019. PubMed ID: 30661751). However, the use of computer prediction softwares is not equivalent to functional evidence. To our knowledge, this variant has not been reported in the literature. This variant is reported in 0.011% of alleles in individuals of East Asian descent in gnomAD. At this time, the clinical significance of this variant is uncertain due to the absence of conclusive functional and genetic evidence.

NM_144672.4(OTOA):c.151+4A>G

Gene: OTOA (otoancorin). Cytogenetic location: 16p12.2.
Variant type: single nucleotide variant.
Coding change: c.151+4A>G on transcript NM_144672.4 (MANE Select); 4 bases into the intron after coding-DNA position 151, A replaced by G.
Molecular consequence: intron variant.
Genome position (GRCh38, 1-based): chr16:21,679,070, A>G. VCF-style: chr16-21679070-A-G. GRCh37 (hg19) VCF-style: chr16-21690391-A-G.
Identifiers: ClinVar variation 4989319 (VCV004989319.1).